The following is an entry in ClinVar:

NM_006231.4(POLE):c.6274G>T (p.Gly2092Cys)

Gene: POLE (DNA polymerase epsilon, catalytic subunit; minus strand). Cytogenetic location: 12q24.33.
Variant type: single nucleotide variant.
Coding change: c.6274G>T on transcript NM_006231.4 (MANE Select); coding-DNA position 6274, G replaced by T.
Protein change: p.Gly2092Cys; replaces glycine 2092 with cysteine.
Molecular consequence: missense variant.
Genome position (GRCh38, 1-based): chr12:132,632,371, C>A on the plus strand (G>T on the coding strand, the complement: POLE is on the minus strand). VCF-style: chr12-132632371-C-A. GRCh37 (hg19) VCF-style: chr12-133208957-C-A.
Other names: c.6274G>T (NM_006231.2); short protein forms G2092C.
Identifiers: ClinVar variation 1718802 (VCV001718802.6), dbSNP rs757559474, ClinGen allele CA387369436.

ClinVar aggregate classification (germline): Uncertain significance. Review status: criteria provided, multiple submitters, no conflicts (2 of 4 stars). 2 submissions from 2 submitters: Uncertain significance (2). Last evaluated 2024-11-22.

Conditions:
Hereditary cancer-predisposing syndrome. Also called: Hereditary neoplastic syndrome; Neoplastic Syndromes, Hereditary; Hereditary Cancer Syndrome; Tumor predisposition. Identifiers: Orphanet 140162, MedGen C0027672, MeSH D009386, MONDO:0015356.

Submissions (2):

Ambry Genetics
Classification: Uncertain significance for Hereditary cancer-predisposing syndrome. Last evaluated: 2024-11-22. Review status: criteria provided, single submitter. Criteria: Ambry Variant Classification Scheme 2023. Collection method: clinical testing. Allele origin: germline.
Comment: The p.G2092C variant (also known as c.6274G>T), located in coding exon 45 of the POLE gene, results from a G to T substitution at nucleotide position 6274. The glycine at codon 2092 is replaced by cysteine, an amino acid with highly dissimilar properties. This amino acid position is conserved. In addition, this alteration is predicted to be deleterious by in silico analysis. Based on the available evidence, the clinical significance of this variant remains unclear.

Labcorp Genetics (formerly Invitae), Labcorp
Classification: Uncertain significance. Last evaluated: 2022-09-03. Review status: criteria provided, single submitter. Criteria: Invitae Variant Classification Sherloc (09022015). Collection method: clinical testing. Allele origin: germline.
Comment: In summary, the available evidence is currently insufficient to determine the role of this variant in disease. Therefore, it has been classified as a Variant of Uncertain Significance. Algorithms developed to predict the effect of missense changes on protein structure and function are either unavailable or do not agree on the potential impact of this missense change (SIFT: "Deleterious"; PolyPhen-2: "Probably Damaging"; Align-GVGD: "Class C0"). This variant has not been reported in the literature in individuals affected with POLE-related conditions. This variant is not present in population databases (gnomAD no frequency). This sequence change replaces glycine, which is neutral and non-polar, with cysteine, which is neutral and slightly polar, at codon 2092 of the POLE protein (p.Gly2092Cys).